The following is an entry in ClinVar:

ClinVar aggregate classification (germline): Uncertain significance. Review status: criteria provided, multiple submitters, no conflicts (2 of 4 stars). 4 submissions from 4 submitters: Uncertain significance (4). Last evaluated 2026-03-09.

Conditions:
Hereditary cancer-predisposing syndrome. Also called: Neoplastic Syndromes, Hereditary; Tumor predisposition; Hereditary neoplastic syndrome; Hereditary Cancer Syndrome. Identifiers: Orphanet 140162, MedGen C0027672, MeSH D009386, MONDO:0015356.
MSH3-related disorder. Also called: MSH3-related condition.
Endometrial carcinoma. Also called: Endometrial carcinoma, somatic. Identifiers: MedGen C0476089, MONDO:0002447, OMIM 608089, HP:0012114.

Allele frequency attached by ClinVar (database versions not stated): gnomAD exomes 0.00002 and 0.00004; TOPMed 0.00002; ExAC 0.00004.
gnomAD v4.1: 30 of 1,612,974 alleles (0.0019%); highest among the groups gnomAD compares: East Asian, 0.018%; no homozygotes.

Submissions (4):

PreventionGenetics, part of Exact Sciences
Classification: Uncertain significance for MSH3-related condition. Last evaluated: 2026-03-09. Review status: criteria provided, single submitter. Criteria: ACMG Guidelines, 2015. Collection method: clinical testing. Allele origin: germline.
Comment: The MSH3 c.1001A>T variant is predicted to result in the amino acid substitution p.Tyr334Phe. To our knowledge, this variant has not been reported in the literature. This variant is reported in 0.033% of alleles in individuals of East Asian descent in gnomAD and is interpreted as uncertain in ClinVar (Variation ID: 645316). At this time, the clinical significance of this variant is uncertain due to the absence of conclusive functional and genetic evidence.

Labcorp Genetics (formerly Invitae), Labcorp
Classification: Uncertain significance. Last evaluated: 2026-01-04. Review status: criteria provided, single submitter. Criteria: Invitae Variant Classification Sherloc (09022015). Collection method: clinical testing. Allele origin: germline.
Comment: This sequence change replaces tyrosine, which is neutral and polar, with phenylalanine, which is neutral and non-polar, at codon 334 of the MSH3 protein (p.Tyr334Phe). This variant is present in population databases (rs774838967, gnomAD 0.03%). This variant has not been reported in the literature in individuals affected with MSH3-related conditions. ClinVar contains an entry for this variant (Variation ID: 645316). An algorithm developed to predict the effect of missense changes on protein structure and function (PolyPhen-2) suggests that this variant is likely to be disruptive. In summary, the available evidence is currently insufficient to determine the role of this variant in disease. Therefore, it has been classified as a Variant of Uncertain Significance.

Ambry Genetics
Classification: Uncertain significance for Hereditary cancer-predisposing syndrome. Last evaluated: 2025-11-10. Review status: criteria provided, single submitter. Criteria: Ambry Variant Classification Scheme 2023. Collection method: clinical testing. Allele origin: germline.
Comment: The p.Y334F variant (also known as c.1001A>T), located in coding exon 6 of the MSH3 gene, results from an A to T substitution at nucleotide position 1001. The tyrosine at codon 334 is replaced by phenylalanine, an amino acid with highly similar properties. This amino acid position is highly conserved in available vertebrate species. In addition, the in silico prediction for this alteration is inconclusive. Since supporting evidence is limited at this time, the clinical significance of this alteration remains unclear.

Baylor Genetics
Classification: Uncertain significance for Endometrial carcinoma. Last evaluated: 2023-09-03. Review status: criteria provided, single submitter. Criteria: ACMG Guidelines, 2015. Collection method: clinical testing. Allele origin: unknown.

NM_002439.5(MSH3):c.1001A>T (p.Tyr334Phe)

Genes: MSH3 (mutS homolog 3; plus strand), LOC126807437 (MED14-independent group 3 enhancer GRCh37_chr5:79968379-79969578; plus strand). Cytogenetic location: 5q14.1.
Variant type: single nucleotide variant.
Coding change: c.1001A>T on transcript NM_002439.5 (MANE Select); coding-DNA position 1001, A replaced by T.
Protein change: p.Tyr334Phe; replaces tyrosine 334 with phenylalanine.
Molecular consequence: missense variant.
Genome position (GRCh38, 1-based): chr5:80,672,832, A>T. VCF-style: chr5-80672832-A-T. GRCh37 (hg19) VCF-style: chr5-79968651-A-T.
Other names: short protein forms Y334F.
Identifiers: ClinVar variation 645316 (VCV000645316.15), dbSNP rs774838967, ClinGen allele CA3327763.
Genomic context (GRCh38, chr5:80,672,832, plus strand): 5'-CATTAAAGGCCATTGGAGACAACAGAAGTTCACTCTTTTCCCGGAAATTGACTGCCCTTT[A>T]TACAAAATCTACACTTATTGGAGAAGATATCCTTTTTGGACGGGAGTTTTTCTCTTAAAT-3'
Protein context (NP_002430.3, residues 324-344): SLFSRKLTAL[Tyr334Phe]TKSTLIGEDV